The following is an entry in ClinVar:

NM_001317778.2(SFTPC):c.13A>G (p.Ser5Gly)

Gene: SFTPC (surfactant protein C; plus strand). Cytogenetic location: 8p21.3.
Variant type: single nucleotide variant.
Coding change: c.13A>G on transcript NM_001317778.2 (MANE Select); coding-DNA position 13, A replaced by G.
Protein change: p.Ser5Gly; replaces serine 5 with glycine.
Molecular consequence: missense variant.
Genome position (GRCh38, 1-based): chr8:22,161,841, A>G. VCF-style: chr8-22161841-A-G. GRCh37 (hg19) VCF-style: chr8-22019354-A-G.
Other names: c.13A>G, p.Ser5Gly (NM_001172357.2, NM_001172410.2, NM_001317779.2 and 10 more transcripts); short protein forms S5G.
Identifiers: ClinVar variation 5009552 (VCV005009552.1).

ClinVar aggregate classification (germline): Uncertain significance (1 of 4 stars; one submission).

gnomAD v4.1: 5 of 1,614,104 alleles (0.00031%); highest among the groups gnomAD compares: Non-Finnish European, 0.00042%; no homozygotes.

Submission:

GeneDx
Classification: Uncertain significance. Last evaluated: 2026-03-20. Review status: criteria provided, single submitter. Criteria: GeneDx Variant Classification Process June 2021. Collection method: clinical testing. Allele origin: germline.
Comment: Not observed at significant frequency in large population cohorts (gnomAD); In silico analysis suggests that this missense variant does not alter protein structure/function; Has not been previously published as pathogenic or benign to our knowledge